The following is an entry in ClinVar:

ClinVar aggregate classification (germline): Pathogenic (1 of 4 stars; one submission).

Conditions:
RYR1-related disorder. Also called: RYR1-related condition; RYR1-related disorders. Identifiers: MedGen CN239331.

Submission:

Labcorp Genetics (formerly Invitae), Labcorp
Classification: Pathogenic for RYR1-related disorder. Last evaluated: 2021-04-22. Review status: criteria provided, single submitter. Criteria: Invitae Variant Classification Sherloc (09022015). Collection method: clinical testing. Allele origin: germline.
Comment: For these reasons, this variant has been classified as Pathogenic. This variant has not been reported in the literature in individuals with RYR1-related conditions. This variant is not present in population databases (ExAC no frequency). This sequence change creates a premature translational stop signal (p.Lys1393Argfs*5) in the RYR1 gene. It is expected to result in an absent or disrupted protein product. Loss-of-function variants in RYR1 are known to be pathogenic (PMID: 20583297, 20839240, 23919265, 28818389).

Literature cited by the submitters: PubMed 20583297; PubMed 20839240; PubMed 23919265; PubMed 28818389.

NM_000540.3(RYR1):c.4176del (p.Lys1393fs)

Gene: RYR1 (ryanodine receptor 1; plus strand). Cytogenetic location: 19q13.2.
Variant type: Deletion.
Coding change: c.4176del on transcript NM_000540.3 (MANE Select); coding-DNA position 4176, one base deleted (C; older notation c.4176delC).
Protein change: p.Lys1393fs; shifts the reading frame from lysine 1393.
Molecular consequence: frameshift variant.
Genome position (GRCh38, 1-based): chr19:38,475,333, C deleted; the last of 2 consecutive C bases (chr19:38,475,332-38,475,333); deleting either gives the same sequence. VCF-style (leftmost placement, unchanged base first): chr19-38475331-GC-G. GRCh37 (hg19) VCF-style: chr19-38965971-GC-G.
Other names: c.4176del, p.Lys1393fs (NM_001042723.2); short protein forms K1393fs.
Identifiers: ClinVar variation 1413346 (VCV001413346.6), dbSNP rs2145492068, ClinGen allele CA2573156299.